The following is an entry in ClinVar:

NM_000396.4(CTSK):c.236G>A (p.Gly79Glu)

Gene: CTSK (cathepsin K; minus strand). Cytogenetic location: 1q21.3.
Variant type: single nucleotide variant.
Coding change: c.236G>A on transcript NM_000396.4 (MANE Select); coding-DNA position 236, G replaced by A.
Protein change: p.Gly79Glu; replaces glycine 79 with glutamic acid.
Molecular consequence: missense variant.
Genome position (GRCh38, 1-based): chr1:150,806,109, C>T on the plus strand (G>A on the coding strand, the complement: CTSK is on the minus strand). VCF-style: chr1-150806109-C-T. GRCh37 (hg19) VCF-style: chr1-150778585-C-T.
Other names: short protein forms G79E.
Identifiers: ClinVar variation 8424 (VCV000008424.4), dbSNP rs74315305, ClinGen allele CA119612.

ClinVar aggregate classification (germline): Pathogenic. Review status: criteria provided, multiple submitters, no conflicts (2 of 4 stars). 4 submissions from 4 submitters: Pathogenic (3). 1 of the submissions does not count toward it. Last evaluated 2024-04-30.

Conditions:
Pyknodysostosis. Also called: Pycnodysostosis. Identifiers: Orphanet 763, MedGen C0238402, MONDO:0009940, OMIM 265800.

Allele frequency attached by ClinVar (database versions not stated): TOPMed below 0.00001.

Submissions (4):

Fulgent Genetics
Classification: Pathogenic for Pyknodysostosis. Last evaluated: 2024-04-30. Review status: criteria provided, single submitter. Criteria: ACMG Guidelines, 2015. Collection method: clinical testing. Allele origin: germline.

Women's Health and Genetics/Laboratory Corporation of America, LabCorp
Classification: Pathogenic for Pyknodysostosis. Last evaluated: 2024-04-23. Review status: criteria provided, single submitter. Criteria: LabCorp Variant Classification Summary - May 2015. Collection method: clinical testing. Allele origin: germline.
Comment: Variant summary: CTSK c.236G>A (p.Gly79Glu) results in a non-conservative amino acid change located in the Cathepsin propeptide inhibitor domain (IPR013201) of the encoded protein sequence. Five of five in-silico tools predict a damaging effect of the variant on protein function. The variant was absent in 251314 control chromosomes. c.236G>A has been reported in the literature in individuals affected with Pyknodysostosis (examples: Haagerup_2000, Ho_1999, Hou_1999, Sait_2021). These data indicate that the variant is likely to be associated with disease. Multiple publications report experimental evidence evaluating an impact on protein function (Hou_1999, Roy_2018). The most pronounced variant effect results in the absence of protease activity. The following publications have been ascertained in the context of this evaluation (PMID: 10878663, 10491211, 10074491, 30199612, 33945887). ClinVar contains an entry for this variant (Variation ID: 8424). Based on the evidence outlined above, the variant was classified as pathogenic.

Baylor Genetics
Classification: Pathogenic for Pyknodysostosis. Last evaluated: 2023-08-03. Review status: criteria provided, single submitter. Criteria: ACMG Guidelines, 2015. Collection method: clinical testing. Allele origin: unknown.

OMIM
Classification: Pathogenic for PYCNODYSOSTOSIS. Last evaluated: 1999-10-01. Review status: no assertion criteria provided. Collection method: literature only. Allele origin: germline. Not counted in ClinVar's aggregate classification.

Literature cited by the submitters: PubMed 33945887 (cited by Women's Health and Genetics/Laboratory Corporation of America, LabCorp); PubMed 10878663 (cited by Women's Health and Genetics/Laboratory Corporation of America, LabCorp); PubMed 10491211 (cited by Women's Health and Genetics/Laboratory Corporation of America, LabCorp and OMIM); PubMed 10074491 (cited by Women's Health and Genetics/Laboratory Corporation of America, LabCorp); PubMed 30199612 (cited by Women's Health and Genetics/Laboratory Corporation of America, LabCorp).